The following is an entry in ClinVar:

ClinVar aggregate classification (germline): Conflicting classifications of pathogenicity. Review status: criteria provided, conflicting classifications (1 of 4 stars). 2 submissions from 2 submitters: Likely pathogenic (1); Uncertain significance (1). Last evaluated 2025-04-08.

Conditions:
Autosomal recessive polycystic kidney disease (ARPKD). Also called: AR polycystic kidney disease. Identifiers: Orphanet 731, Orphanet 8378, MedGen C0085548, MeSH D017044, MONDO:0009889.

gnomAD v4.1: 5 of 1,611,778 alleles (0.00031%); highest among the groups gnomAD compares: Non-Finnish European, 0.00042%; no homozygotes.

Submissions (2):

Women's Health and Genetics/Laboratory Corporation of America, LabCorp
Classification: Uncertain significance. Last evaluated: 2025-04-08. Review status: criteria provided, single submitter. Criteria: LabCorp Variant Classification Summary - May 2015. Collection method: clinical testing. Allele origin: germline.
Comment: Variant summary: PKHD1 c.1160A>T (p.Asn387Ile) results in a non-conservative amino acid change in the encoded protein sequence. Five of five in-silico tools predict a damaging effect of the variant on protein function. The variant was absent in 251210 control chromosomes. The available data on variant occurrences in the general population are insufficient to allow any conclusion about variant significance. c.1160A>T has been reported in the presumed compound heterozygous state in the literature in at least 1 individual affected with autosomal recessive Polycystic Kidney And Hepatic Disease (example, Sekine_2019) and has also been reported in cis with a pathogenic variant in affected biallelic individual(s), however its impact cannot be disambiguated in such cases (Denamur_2010, Michel-Calemard_2009). These data do not allow any conclusion about variant significance. To our knowledge, no experimental evidence demonstrating an impact on protein function has been reported. The following publications have been ascertained in the context of this evaluation (PMID: 19940839, 29520754, 28933340, 19021639, 30820006). ClinVar contains an entry for this variant (Variation ID: 2734906). Based on the evidence outlined above, the variant was classified as uncertain significance.

Labcorp Genetics (formerly Invitae), Labcorp
Classification: Likely pathogenic for Autosomal recessive polycystic kidney disease. Last evaluated: 2023-02-28. Review status: criteria provided, single submitter. Criteria: Invitae Variant Classification Sherloc (09022015). Collection method: clinical testing. Allele origin: germline.
Comment: This sequence change replaces asparagine, which is neutral and polar, with isoleucine, which is neutral and non-polar, at codon 387 of the PKHD1 protein (p.Asn387Ile). In summary, the currently available evidence indicates that the variant is pathogenic, but additional data are needed to prove that conclusively. Therefore, this variant has been classified as Likely Pathogenic. Advanced modeling of protein sequence and biophysical properties (such as structural, functional, and spatial information, amino acid conservation, physicochemical variation, residue mobility, and thermodynamic stability) performed at Invitae indicates that this missense variant is expected to disrupt PKHD1 protein function. This missense change has been observed in individuals with autosomal recessive polycystic kidney disease (PMID: 19021639, 19940839, 28933340). This variant is not present in population databases (gnomAD no frequency).

Literature cited by the submitters: PubMed 19940839 (cited by Women's Health and Genetics/Laboratory Corporation of America, LabCorp and Labcorp Genetics (formerly Invitae), Labcorp); PubMed 19021639 (cited by Women's Health and Genetics/Laboratory Corporation of America, LabCorp and Labcorp Genetics (formerly Invitae), Labcorp); PubMed 29520754 (cited by Women's Health and Genetics/Laboratory Corporation of America, LabCorp); PubMed 28933340 (cited by Women's Health and Genetics/Laboratory Corporation of America, LabCorp and Labcorp Genetics (formerly Invitae), Labcorp); PubMed 30820006 (cited by Women's Health and Genetics/Laboratory Corporation of America, LabCorp).

NM_138694.4(PKHD1):c.1160A>T (p.Asn387Ile)

Gene: PKHD1 (PKHD1 ciliary IPT domain containing fibrocystin/polyductin; minus strand). Cytogenetic location: 6p12.2.
Variant type: single nucleotide variant.
Coding change: c.1160A>T on transcript NM_138694.4 (MANE Select); coding-DNA position 1160, A replaced by T.
Protein change: p.Asn387Ile; replaces asparagine 387 with isoleucine.
Molecular consequence: missense variant.
Genome position (GRCh38, 1-based): chr6:52,060,001, T>A on the plus strand (A>T on the coding strand, the complement: PKHD1 is on the minus strand). VCF-style: chr6-52060001-T-A. GRCh37 (hg19) VCF-style: chr6-51924799-T-A.
Other names: c.1160A>T, p.Asn387Ile (NM_170724.3); short protein forms N387I.
Identifiers: ClinVar variation 2734906 (VCV002734906.5), dbSNP rs2533402360, ClinGen allele CA364427632.